The following is an entry in ClinVar:

ClinVar aggregate classification (germline): Benign. Review status: criteria provided, multiple submitters, no conflicts (2 of 4 stars). 11 submissions from 11 submitters: Benign (8). 3 of the submissions do not count toward it. Last evaluated 2026-02-04.

Conditions:
Cardiovascular phenotype. Identifiers: MedGen CN230736.
DiGeorge syndrome. Also called: THIRD AND FOURTH PHARYNGEAL POUCH SYNDROME; Catch22. Identifiers: Orphanet 567, MedGen C0012236, MONDO:0008564, OMIM 188400.

Allele frequency attached by ClinVar (database versions not stated): 1000 Genomes Project 0.34125; ESP Exome Variant Server 0.34397; gnomAD 0.33791 and 0.34251; TOPMed 0.35072; 1000 Genomes Project 30x 0.34541; gnomAD exomes 0.25281 and 0.27448; ExAC 0.28059.

Submissions (11):

Labcorp Genetics (formerly Invitae), Labcorp
Classification: Benign for DiGeorge syndrome. Last evaluated: 2026-02-04. Review status: criteria provided, single submitter. Criteria: Invitae Variant Classification Sherloc (09022015). Collection method: clinical testing. Allele origin: germline.

Women's Health and Genetics/Laboratory Corporation of America, LabCorp
Classification: Benign. Last evaluated: 2023-04-04. Review status: criteria provided, single submitter. Criteria: LabCorp Variant Classification Summary - May 2015. Collection method: clinical testing. Allele origin: germline.

Mayo Clinic Laboratories, Mayo Clinic
Classification: Benign. Last evaluated: 2022-04-26. Review status: criteria provided, single submitter. Criteria: ACMG Guidelines, 2015. Collection method: clinical testing. Allele origin: germline. Observed: 70 variant alleles.

Athena Diagnostics
Classification: Benign. Last evaluated: 2018-05-07. Review status: criteria provided, single submitter. Criteria: Athena Diagnostics Criteria. Collection method: clinical testing. Allele origin: germline.

Laboratory for Molecular Medicine, Mass General Brigham Personalized Medicine
Classification: Benign. Last evaluated: 2016-03-29. Review status: criteria provided, single submitter. Criteria: LMM Criteria. Collection method: clinical testing. Allele origin: germline.
Comment: Variant identified in a genome or exome case(s) and assessed due to predicted null impact of the variant or pathogenic assertions in the literature or databases. Disclaimer: This variant has not undergone full assessment. The following are preliminary notes: Frequency

Ambry Genetics
Classification: Benign for Cardiovascular phenotype. Last evaluated: 2015-06-26. Review status: criteria provided, single submitter. Criteria: Ambry Variant Classification Scheme 2023. Collection method: clinical testing. Allele origin: germline.

GeneDx
Classification: Benign. Last evaluated: 2015-03-03. Review status: criteria provided, single submitter. Criteria: GeneDx Variant Classification Process June 2021. Collection method: clinical testing. Allele origin: germline. Affected: yes.

Breakthrough Genomics
Classification: Benign. Review status: criteria provided, single submitter. Criteria: ACMG Guidelines, 2015. Collection method: not provided. Allele origin: germline. Inheritance: Autosomal dominant inheritance. Affected: yes.

Clinical Genetics, Academic Medical Center
Classification: Benign. Review status: no assertion criteria provided. Collection method: clinical testing. Allele origin: germline. Affected: yes. Study: VKGL Data-share Consensus. Not counted in ClinVar's aggregate classification.

Genome Diagnostics Laboratory, University Medical Center Utrecht
Classification: Benign. Review status: no assertion criteria provided. Collection method: clinical testing. Allele origin: germline. Affected: yes. Study: VKGL Data-share Consensus. Not counted in ClinVar's aggregate classification.

Joint Genome Diagnostic Labs from Nijmegen and Maastricht, Radboudumc and MUMC+
Classification: Benign. Review status: no assertion criteria provided. Collection method: clinical testing. Allele origin: germline. Affected: yes. Study: VKGL Data-share Consensus. Not counted in ClinVar's aggregate classification.

NM_001379200.1(TBX1):c.691C>T (p.Leu231=)

Gene: TBX1 (T-box transcription factor 1; plus strand). Cytogenetic location: 22q11.21.
Variant type: single nucleotide variant.
Coding change: c.691C>T on transcript NM_001379200.1 (MANE Select); coding-DNA position 691, C replaced by T.
Protein change: p.Leu231=; no amino-acid change (leucine 231 retained).
Molecular consequence: synonymous variant.
Genome position (GRCh38, 1-based): chr22:19,764,306, C>T. VCF-style: chr22-19764306-C-T. GRCh37 (hg19) VCF-style: chr22-19751829-C-T.
Other names: p.Leu222=; c.664C>T, p.Leu222= (NM_080646.2, NM_080647.1, NM_005992.1).
Identifiers: ClinVar variation 263383 (VCV000263383.27), dbSNP rs2301558, ClinGen allele CA10102521.